The following is an entry in ClinVar:

NM_001378120.1(MBD5):c.180C>T (p.Cys60=)

Gene: MBD5 (methyl-CpG binding domain protein 5; plus strand). Cytogenetic location: 2q23.1.
Variant type: single nucleotide variant.
Coding change: c.180C>T on transcript NM_001378120.1 (MANE Select); coding-DNA position 180, C replaced by T.
Protein change: p.Cys60=; no amino-acid change (cysteine 60 retained).
Molecular consequence: synonymous variant.
Genome position (GRCh38, 1-based): chr2:148,462,648, C>T. VCF-style: chr2-148462648-C-T. GRCh37 (hg19) VCF-style: chr2-149220217-C-T.
Other names: c.180C>T, p.Cys60= (NM_018328.5).
Identifiers: ClinVar variation 3775818 (VCV003775818.1).

ClinVar aggregate classification (germline): Uncertain significance (1 of 4 stars; one submission).

Conditions:
Intellectual developmental disorder, autosomal dominant 1. Also called: MBD5 Haploinsufficiency; Intellectual disability, autosomal dominant 1. Identifiers: Orphanet 228402, MedGen C1969562, MONDO:0007974, OMIM 156200.

Submission:

3billion
Classification: Uncertain significance for Intellectual developmental disorder, autosomal dominant 1. Last evaluated: 2023-06-02. Review status: criteria provided, single submitter. Criteria: ACMG Guidelines, 2015. Collection method: clinical testing. Allele origin: germline. Affected: yes.
Comment: The variant is not observed in the gnomAD v2.1.1 dataset. Predicted Consequence/Location: Synonymous variant, splicing variant In silico tools predict the variant to alter splicing and produce an abnormal transcript (SpliceAI: 0.65). Therefore, this variant is classified as VUS according to the recommendation of ACMG/AMP guideline.